The following is an entry in ClinVar:

NM_004068.4(AP2M1):c.75-5C>T

Gene: AP2M1 (adaptor related protein complex 2 subunit mu 1; plus strand). Cytogenetic location: 3q27.1.
Variant type: single nucleotide variant.
Coding change: c.75-5C>T on transcript NM_004068.4 (MANE Select); 5 bases into the intron before coding-DNA position 75, C replaced by T.
Molecular consequence: intron variant.
Genome position (GRCh38, 1-based): chr3:184,178,852, C>T. VCF-style: chr3-184178852-C-T. GRCh37 (hg19) VCF-style: chr3-183896640-C-T.
Other names: c.150-5C>T (NM_001311198.2); c.75-5C>T (NM_001025205.2).
Identifiers: ClinVar variation 1452344 (VCV001452344.12), dbSNP rs914732362, ClinGen allele CA1425901769.

ClinVar aggregate classification (germline): Likely benign. Review status: criteria provided, multiple submitters, no conflicts (2 of 4 stars). 2 submissions from 2 submitters: Likely benign (2). Last evaluated 2026-03-01.

gnomAD v4.1: 2 of 1,613,412 alleles (0.00012%); highest among the groups gnomAD compares: Admixed American, 0.0017%; no homozygotes.

Submissions (2):

CeGaT Center for Human Genetics Tuebingen
Classification: Likely benign. Last evaluated: 2026-03-01. Review status: criteria provided, single submitter. Criteria: CeGaT Center For Human Genetics Tuebingen Variant Classification Criteria Version 2. Collection method: clinical testing. Allele origin: germline. Affected: yes. Observed: 1 variant allele.
Comment: AP2M1: BP4

Labcorp Genetics (formerly Invitae), Labcorp
Classification: Likely benign. Last evaluated: 2024-07-11. Review status: criteria provided, single submitter. Criteria: Invitae Variant Classification Sherloc (09022015). Collection method: clinical testing. Allele origin: germline.